The following is an entry in ClinVar:

ClinVar aggregate classification (germline): Uncertain significance. Review status: criteria provided, single submitter (1 of 4 stars). 2 submissions from 2 submitters: Uncertain significance (1). 1 of the submissions does not count toward it. Last evaluated 2022-03-03.

Conditions:
Bardet-Biedl syndrome (BBS). Identifiers: Orphanet 110, MedGen C0752166, MONDO:0015229.
BBS4-related disorder. Also called: BBS4-related condition.

Allele frequency attached by ClinVar (database versions not stated): gnomAD exomes below 0.00001; TOPMed below 0.00001.

Submissions (2):

Labcorp Genetics (formerly Invitae), Labcorp
Classification: Uncertain significance for Bardet-Biedl syndrome. Last evaluated: 2022-03-03. Review status: criteria provided, single submitter. Criteria: Invitae Variant Classification Sherloc (09022015). Collection method: clinical testing. Allele origin: germline.
Comment: This sequence change replaces leucine, which is neutral and non-polar, with phenylalanine, which is neutral and non-polar, at codon 211 of the BBS4 protein (p.Leu211Phe). This variant is not present in population databases (gnomAD no frequency). This variant has not been reported in the literature in individuals affected with BBS4-related conditions. Algorithms developed to predict the effect of missense changes on protein structure and function are either unavailable or do not agree on the potential impact of this missense change (SIFT: "Deleterious"; PolyPhen-2: "Possibly Damaging"; Align-GVGD: "Class C0"). In summary, the available evidence is currently insufficient to determine the role of this variant in disease. Therefore, it has been classified as a Variant of Uncertain Significance.

PreventionGenetics, part of Exact Sciences
Classification: Uncertain significance for BBS4-related condition. Last evaluated: 2024-02-12. Review status: no assertion criteria provided. Collection method: clinical testing. Allele origin: germline. Not counted in ClinVar's aggregate classification.
Comment: The BBS4 c.631C>T variant is predicted to result in the amino acid substitution p.Leu211Phe. To our knowledge, this variant has not been reported in the literature. This variant is reported in 0.00088% of alleles in individuals of European (Non-Finnish) descent in gnomAD. At this time, the clinical significance of this variant is uncertain due to the absence of conclusive functional and genetic evidence.

NM_033028.5(BBS4):c.631C>T (p.Leu211Phe)

Gene: BBS4 (Bardet-Biedl syndrome 4; plus strand). Cytogenetic location: 15q24.1.
Variant type: single nucleotide variant.
Coding change: c.631C>T on transcript NM_033028.5 (MANE Select); coding-DNA position 631, C replaced by T.
Protein change: p.Leu211Phe; replaces leucine 211 with phenylalanine.
Molecular consequence: missense variant. On other transcripts: non-coding transcript variant (2).
Genome position (GRCh38, 1-based): chr15:72,727,983, C>T. VCF-style: chr15-72727983-C-T. GRCh37 (hg19) VCF-style: chr15-73020324-C-T.
Other names: c.115C>T, p.Leu39Phe (NM_001252678.2); c.631C>T, p.Leu211Phe (NM_001320665.2); c.631C>T (NM_033028.4); short protein forms L211F, L39F.
Identifiers: ClinVar variation 1502776 (VCV001502776.7), dbSNP rs1567426035, ClinGen allele CA393077527.